The following is an entry in ClinVar:

ClinVar aggregate classification (germline): Uncertain significance. Review status: criteria provided, multiple submitters, no conflicts (2 of 4 stars). 2 submissions from 2 submitters: Uncertain significance (2). Last evaluated 2024-06-07.

Allele frequency attached by ClinVar (database versions not stated): ExAC 0.00005; gnomAD 0.00005 and 0.00006; gnomAD exomes 0.00006; TOPMed 0.00006.
gnomAD v4.1: 83 of 1,614,068 alleles (0.0051%); highest among the groups gnomAD compares: Middle Eastern, 0.016%; no homozygotes.

Submissions (2):

Ambry Genetics
Classification: Uncertain significance. Last evaluated: 2024-06-07. Review status: criteria provided, single submitter. Criteria: Ambry Variant Classification Scheme 2023. Collection method: clinical testing. Allele origin: germline.

GeneDx
Classification: Uncertain significance. Last evaluated: 2016-12-20. Review status: criteria provided, single submitter. Criteria: GeneDx Variant Classification (06012015). Collection method: clinical testing. Allele origin: germline. Affected: yes.
Comment: The R603W variant in the IGSF3 gene has not been reported previously as a pathogenic variant, nor as a benign variant, to our knowledge. The R603W variant was not observed in approximately 6,500 individuals of European and African American ancestry in the NHLBI Exome Sequencing Project, indicating it is not a common benign variant in these populations. The R603W variant is a non-conservative amino acid substitution, which is likely to impact secondary protein structure as these residues differ in polarity, charge, size and/or other properties. This substitution occurs at a position that is conserved across species. In silico analysis predicts this variant is probably damaging to the protein structure/function. We interpret R603W as a variant of uncertain significance.

NM_001007237.3(IGSF3):c.1747C>T (p.Arg583Trp)

Gene: IGSF3 (immunoglobulin superfamily member 3; minus strand). Cytogenetic location: 1p13.1.
Variant type: single nucleotide variant.
Coding change: c.1747C>T on transcript NM_001007237.3 (MANE Select); coding-DNA position 1747, C replaced by T.
Protein change: p.Arg583Trp; replaces arginine 583 with tryptophan.
Molecular consequence: missense variant.
Genome position (GRCh38, 1-based): chr1:116,600,223, G>A on the plus strand (C>T on the coding strand, the complement: IGSF3 is on the minus strand). VCF-style: chr1-116600223-G-A. GRCh37 (hg19) VCF-style: chr1-117142845-G-A.
Other names: c.1807C>T, p.Arg603Trp (NM_001542.4); c.1807C>T (NM_001542.2); short protein forms R603W, R583W.
Identifiers: ClinVar variation 391629 (VCV000391629.3), dbSNP rs200735353, ClinGen allele CA1026438.